The following is an entry in ClinVar:

NM_006218.4(PIK3CA):c.2222G>T (p.Arg741Leu)

Gene: PIK3CA (phosphatidylinositol-4,5-bisphosphate 3-kinase catalytic subunit alpha; plus strand). Cytogenetic location: 3q26.32.
Variant type: single nucleotide variant.
Coding change: c.2222G>T on transcript NM_006218.4 (MANE Select); coding-DNA position 2222, G replaced by T.
Protein change: p.Arg741Leu; replaces arginine 741 with leucine.
Molecular consequence: missense variant.
Genome position (GRCh38, 1-based): chr3:179,224,115, G>T. VCF-style: chr3-179224115-G-T. GRCh37 (hg19) VCF-style: chr3-178941903-G-T.
Other names: short protein forms R741L.
Identifiers: ClinVar variation 4861862 (VCV004861862.1).
Genomic context (GRCh38, chr3:179,224,115, plus strand): 5'-TGTGACTATCCTTTTTTTTTAATCAGGTACAGATGAAGTTTTTAGTTGAGCAAATGAGGC[G>T]ACCAGATTTCATGGATGCTCTACAGGGCTTTCTGTCTCCTCTAAACCCTGCTCATCAACT-3'
Protein context (NP_006209.2, residues 731-751): QMKFLVEQMR[Arg741Leu]PDFMDALQGF

ClinVar aggregate classification (germline): Uncertain significance (1 of 4 stars; one submission).

Conditions:
Inborn genetic diseases. Identifiers: MedGen C0950123, MeSH D030342.

Submission:

Ambry Genetics
Classification: Uncertain significance for Inborn genetic diseases. Last evaluated: 2026-03-16. Review status: criteria provided, single submitter. Criteria: Ambry Variant Classification Scheme 2023. Collection method: clinical testing. Allele origin: germline.
Comment: The p.R741L variant (also known as c.2222G>T), located in coding exon 14 of the PIK3CA gene, results from a G to T substitution at nucleotide position 2222. The arginine at codon 741 is replaced by leucine, an amino acid with dissimilar properties. This amino acid position is conserved. In addition, the in silico prediction for this alteration is inconclusive. Based on the available evidence, the clinical significance of this variant remains unclear.